The following is an entry in ClinVar:

NM_022168.4(IFIH1):c.253A>G (p.Arg85Gly)

Gene: IFIH1 (interferon induced with helicase C domain 1; minus strand). Cytogenetic location: 2q24.2.
Variant type: single nucleotide variant.
Coding change: c.253A>G on transcript NM_022168.4 (MANE Select); coding-DNA position 253, A replaced by G.
Protein change: p.Arg85Gly; replaces arginine 85 with glycine.
Molecular consequence: missense variant.
Genome position (GRCh38, 1-based): chr2:162,318,055, T>C on the plus strand (A>G on the coding strand, the complement: IFIH1 is on the minus strand). VCF-style: chr2-162318055-T-C. GRCh37 (hg19) VCF-style: chr2-163174565-T-C.
Other names: short protein forms R85G.
Identifiers: ClinVar variation 3748476 (VCV003748476.2).

ClinVar aggregate classification (germline): Uncertain significance (1 of 4 stars; one submission).

Conditions:
Singleton-Merten syndrome 1 (SGMRT1). Also called: Widened medullary cavities of bone, aortic calcification, abnormal dentition, and muscular weakness; Syndrome of widened medullary cavities of the metacarpals and phalanges, aortic calcification and abnormal dentition. Identifiers: Orphanet 85191, MedGen C4225427, MONDO:0024535, OMIM 182250.
Aicardi-Goutieres syndrome 7 (AGS7). Identifiers: Orphanet 51, MedGen C3888244, MONDO:0014367, OMIM 615846.

gnomAD v4.1: 1 of 1,614,152 alleles (0.000062%); highest among the groups gnomAD compares: South Asian, 0.0011%; no homozygotes.

Submission:

Labcorp Genetics (formerly Invitae), Labcorp
Classification: Uncertain significance for Aicardi-Goutieres syndrome 7; Singleton-Merten syndrome 1. Last evaluated: 2024-05-31. Review status: criteria provided, single submitter. Criteria: Invitae Variant Classification Sherloc (09022015). Collection method: clinical testing. Allele origin: germline.
Comment: This sequence change replaces arginine, which is basic and polar, with glycine, which is neutral and non-polar, at codon 85 of the IFIH1 protein (p.Arg85Gly). This variant is not present in population databases (gnomAD no frequency). This variant has not been reported in the literature in individuals affected with IFIH1-related conditions. Advanced modeling of protein sequence and biophysical properties (such as structural, functional, and spatial information, amino acid conservation, physicochemical variation, residue mobility, and thermodynamic stability) has been performed at Invitae for this missense variant, however the output from this modeling did not meet the statistical confidence thresholds required to predict the impact of this variant on IFIH1 protein function. In summary, the available evidence is currently insufficient to determine the role of this variant in disease. Therefore, it has been classified as a Variant of Uncertain Significance.